The following is an entry in ClinVar:

NM_022336.4(EDAR):c.1144G>A (p.Gly382Ser)

Genes: EDAR (ectodysplasin A receptor; minus strand), RANBP2 (RAN binding protein 2; plus strand). Cytogenetic location: 2q13.
Variant type: single nucleotide variant.
Coding change: c.1144G>A on transcript NM_022336.4 (MANE Select); coding-DNA position 1144, G replaced by A.
Protein change: p.Gly382Ser; replaces glycine 382 with serine.
Molecular consequence: missense variant.
Genome position (GRCh38, 1-based): chr2:108,897,110, C>T on the plus strand (G>A on the coding strand, the complement: EDAR is on the minus strand). VCF-style: chr2-108897110-C-T. GRCh37 (hg19) VCF-style: chr2-109513566-C-T.
Other names: short protein forms G382S.
Identifiers: ClinVar variation 194115 (VCV000194115.13), dbSNP rs747806672, ClinGen allele CA274979.

ClinVar aggregate classification (germline): Pathogenic. Review status: criteria provided, multiple submitters, no conflicts (2 of 4 stars). 4 submissions from 4 submitters: Pathogenic (4). Last evaluated 2023-08-09.

Conditions:
Autosomal recessive hypohidrotic ectodermal dysplasia syndrome. Also called: Autosomal recessive hypohidrotic ectodermal dysplasia. Identifiers: Orphanet 248, MedGen C0406702, MONDO:0016619.
Ectodermal dysplasia 10A, hypohidrotic/hair/nail type, autosomal dominant (ECTD10A). Also called: Ectodermal Dysplasia 3, Anhidrotic. Identifiers: Orphanet 1810, Orphanet 238468, MedGen C3888065, MONDO:0007509, OMIM 129490.
Ectodermal dysplasia 10B, hypohidrotic/hair/tooth type, autosomal recessive. Also called: Ectodermal Dysplasia, Hypohidrotic, Autosomal Recessive; Ectodermal dysplasia 10B, hypohidrotic/hair/tooth type, autosomal. Identifiers: Orphanet 238468, Orphanet 248, MedGen C3887494, MONDO:0009147, OMIM 224900.

Allele frequency attached by ClinVar (database versions not stated): gnomAD exomes 0.00002 and 0.00005; gnomAD 0.00002 and 0.00001; TOPMed 0.00003; ExAC 0.00005.
gnomAD v4.1: 31 of 1,613,918 alleles (0.0019%); highest among the groups gnomAD compares: Admixed American, 0.013%; no homozygotes.

Submissions (4):

Labcorp Genetics (formerly Invitae), Labcorp
Classification: Pathogenic for Ectodermal dysplasia 10A, hypohidrotic/hair/nail type, autosomal dominant; Autosomal recessive hypohidrotic ectodermal dysplasia syndrome. Last evaluated: 2023-08-09. Review status: criteria provided, single submitter. Criteria: Invitae Variant Classification Sherloc (09022015). Collection method: clinical testing. Allele origin: germline.
Comment: For these reasons, this variant has been classified as Pathogenic. Advanced modeling of protein sequence and biophysical properties (such as structural, functional, and spatial information, amino acid conservation, physicochemical variation, residue mobility, and thermodynamic stability) performed at Invitae indicates that this missense variant is expected to disrupt EDAR protein function. ClinVar contains an entry for this variant (Variation ID: 194115). This missense change has been observed in individuals with autosomal recessive hypohidrotic ectodermal dysplasia (PMID: 16029325, 22032522). It has also been observed to segregate with disease in related individuals. This variant is present in population databases (rs747806672, gnomAD 0.02%). This sequence change replaces glycine, which is neutral and non-polar, with serine, which is neutral and polar, at codon 382 of the EDAR protein (p.Gly382Ser).

GeneDx
Classification: Pathogenic. Last evaluated: 2015-05-28. Review status: criteria provided, single submitter. Criteria: GeneDx Variant Classification (06012015). Collection method: clinical testing. Allele origin: germline. Affected: yes.
Comment: The G382S missense variant in the EDAR gene has been reported previously in association with autosomal recessive hypohidrotic ectodermal dysplasia (Naeem et al., 2005; Bashyam et al., 2012; Bibi et al., 2011). It was not observed in approximately 6,500 individuals of European and African American ancestry in the NHLBI Exome Sequencing Project, indicating it is not a common benign variant in these populations. G382S is a non-conservative amino acid substitution, which is likely to impact secondary protein structure as these residues differ in polarity, charge, size and/or other properties. This substitution occurs at a position that is conserved across species and in-silico analysis predicts this variant is probably damaging to the protein structure/function. Missense variants in nearby residues (T373M, R375H, L377F, E379K, I388T, M391K) have been reported in the Human Gene Mutation Database in association with EDAR-related disorders (Stenson et al., 2014), supporting the functional importance of this region of the protein. In addition, studies of the G382S variant in the death domain of the EDAR gene have shown that it is expected to disrupt stability and reduce affinity to EDARADD, resulting in impaired activation of nuclear factor kappa-B (Bashyam et al., 2012; Bibi et al., 2011). We interpret the G382S variant as pathogenic.

Eurofins Ntd Llc (ga)
Classification: Pathogenic. Last evaluated: 2014-10-14. Review status: criteria provided, single submitter. Criteria: EGL Classification Definitions 2015. Collection method: clinical testing. Allele origin: germline.

Neuberg Centre For Genomic Medicine, NCGM
Classification: Pathogenic for Ectodermal dysplasia 10B, hypohidrotic/hair/tooth type, autosomal recessive. Review status: criteria provided, single submitter. Criteria: ACMG Guidelines, 2015. Collection method: clinical testing. Allele origin: germline. Inheritance: Autosomal recessive inheritance. Affected: yes.
Comment: The missense c.1144G>A (p.Gly382Ser) variant in EDAR gene has been observed in homozygous state in multiple individuals with autosomal recessive hypohidrotic ectodermal dysplasia (Bashyam et. al., 2012; Naeem et. al., 2005). It has also been observed to segregate with disease in related individuals. Experimental studies of the G382S variant in the death domain of the EDAR gene have shown that it is expected to disrupt stability and reduce affinity to EDARADD, resulting in impaired activation of nuclear factor kappa-B (Bashyam et al., 2012). The p.Gly382Ser variant is present with allele frequency of 0.005% in gnomAD exomes database. This variant has been submitted to the ClinVar database as Pathogenic (multiple submitters). Multiple lines of computational evidence (Polyphen - probably damaging, SIFT - damaging and MutationTaster - disease causing) predict a damaging effect on protein structure and function for this variant. The reference amino acid at this position on EDAR gene is predicted as conserved by GERP++ and PhyloP across 100 vertebrates. The amino acid Gly at position 382 is changed to a Ser changing protein sequence and it might alter its composition and physico-chemical properties. For these reasons, this variant has been classified as Pathogenic.

Literature cited by the submitters: PubMed 16029325 (cited by Labcorp Genetics (formerly Invitae), Labcorp); PubMed 22032522 (cited by Labcorp Genetics (formerly Invitae), Labcorp).